The following is an entry in ClinVar:

NM_002473.6(MYH9):c.5339_5341del (p.Arg1780del)

Gene: MYH9 (myosin heavy chain 9; minus strand). Cytogenetic location: 22q12.3.
Variant type: Deletion.
Coding change: c.5339_5341del on transcript NM_002473.6 (MANE Select); coding-DNA positions 5339 to 5341, 3 bases deleted (GGC; older notation c.5339_5341delGGC).
Protein change: p.Arg1780del; deletes arginine 1780.
Molecular consequence: inframe deletion.
Genome position (GRCh38, 1-based): chr22:36,285,263-36,285,265, GCC deleted on the plus strand (GGC on the coding strand, the reverse complement: MYH9 is on the minus strand); deleting any 3 consecutive bases within chr22:36,285,263-36,285,266 gives the same sequence; the c. name uses the placement nearest the transcript's 3' end. VCF-style (leftmost placement, unchanged base first): chr22-36285262-TGCC-T. GRCh37 (hg19) VCF-style: chr22-36681308-TGCC-T.
Other names: short protein forms R1780del.
Identifiers: ClinVar variation 1368144 (VCV001368144.8), dbSNP rs2146328050, ClinGen allele CA2573158106.

ClinVar aggregate classification (germline): Uncertain significance (1 of 4 stars; one submission).

Submission:

Labcorp Genetics (formerly Invitae), Labcorp
Classification: Uncertain significance. Last evaluated: 2021-03-25. Review status: criteria provided, single submitter. Criteria: Invitae Variant Classification Sherloc (09022015). Collection method: clinical testing. Allele origin: germline.
Comment: This variant, c.5339_5341del, results in the deletion of 1 amino acid(s) of the MYH9 protein (p.Arg1780del), but otherwise preserves the integrity of the reading frame. This variant is not present in population databases (ExAC no frequency). This variant has not been reported in the literature in individuals with MYH9-related conditions. Experimental studies and prediction algorithms are not available or were not evaluated, and the functional significance of this variant is currently unknown. In summary, the available evidence is currently insufficient to determine the role of this variant in disease. Therefore, it has been classified as a Variant of Uncertain Significance.